The following is an entry in ClinVar:

NM_000023.4(SGCA):c.956+1G>A

Gene: SGCA (sarcoglycan alpha; plus strand). Cytogenetic location: 17q21.33.
Variant type: single nucleotide variant.
Coding change: c.956+1G>A on transcript NM_000023.4 (MANE Select); the canonical splice donor site of the intron after coding-DNA position 956, G replaced by A.
Molecular consequence: splice donor variant. On other transcripts: intron variant (1).
Genome position (GRCh38, 1-based): chr17:50,170,352, G>A. VCF-style: chr17-50170352-G-A. GRCh37 (hg19) VCF-style: chr17-48247713-G-A.
Other names: c.585-288G>A (NM_001135697.3).
Identifiers: ClinVar variation 1691502 (VCV001691502.5), dbSNP rs2509125625, ClinGen allele CA400182317.

ClinVar aggregate classification (germline): Likely pathogenic. Review status: criteria provided, single submitter (1 of 4 stars). 2 submissions from 2 submitters: Likely pathogenic (1). 1 of the submissions does not count toward it. Last evaluated 2023-09-26.

Conditions:
Autosomal recessive limb-girdle muscular dystrophy type 2D (LGMDR3). Also called: MUSCULAR DYSTROPHY, LIMB-GIRDLE, AUTOSOMAL RECESSIVE 3; DUCHENNE-LIKE AUTOSOMAL RECESSIVE MUSCULAR DYSTROPHY, TYPE 2; ADHALINOPATHY, PRIMARY. Identifiers: Orphanet 62, MedGen C2936332, MONDO:0011968, OMIM 608099. Disease mechanism: Affects gamma-sarcoglycan and also disrupts the integrity of the entire sarcoglycan complex..

Allele frequency attached by ClinVar (database versions not stated): gnomAD exomes 0.00001.
gnomAD v4.1: 8 of 1,613,088 alleles (0.0005%); highest among the groups gnomAD compares: Non-Finnish European, 0.00068%; no homozygotes.

Submissions (2):

Labcorp Genetics (formerly Invitae), Labcorp
Classification: Likely pathogenic for Autosomal recessive limb-girdle muscular dystrophy type 2D. Last evaluated: 2023-09-26. Review status: criteria provided, single submitter. Criteria: Invitae Variant Classification Sherloc (09022015). Collection method: clinical testing. Allele origin: germline.
Comment: Algorithms developed to predict the effect of sequence changes on RNA splicing suggest that this variant may disrupt the consensus splice site. ClinVar contains an entry for this variant (Variation ID: 1691502). This variant has not been reported in the literature in individuals affected with SGCA-related conditions. This variant is not present in population databases (gnomAD no frequency). This sequence change affects a donor splice site in intron 7 of the SGCA gene. It is expected to disrupt RNA splicing. Variants that disrupt the donor or acceptor splice site typically lead to a loss of protein function (PMID: 16199547), and loss-of-function variants in SGCA are known to be pathogenic (PMID: 9192266). In summary, the currently available evidence indicates that the variant is pathogenic, but additional data are needed to prove that conclusively. Therefore, this variant has been classified as Likely Pathogenic.

Department of Medical Genetics, National Institute of Health
Classification: Likely pathogenic for Autosomal recessive limb-girdle muscular dystrophy type 2D. Last evaluated: 2022-06-14. Review status: no assertion criteria provided. Collection method: clinical testing. Allele origin: germline. Inheritance: Autosomal recessive inheritance. Affected: yes. Observed: 1 homozygote. Not counted in ClinVar's aggregate classification.
Comment: Electromyography (EMG) showed a myogenic pattern in muscles of upper and lower limbs. It showed histologic signs of LGMD, with no staining for alpha-sarcoglycan in immunofluorescence analysis. NGS sequencing identified a novel variant: NM_000023.4(SGCA):c.956+1G>A. This variant has not been previously reported in databases and confirms the diagnosis of a Muscular dystrophy type 2D. It is classified as likely pathogenic on American College of Medical Genetics and Genomics (ACMG) according to these criteria: PVS1 and PM2.

Literature cited by the submitters: PubMed 16199547 (cited by Labcorp Genetics (formerly Invitae), Labcorp); PubMed 9192266 (cited by Labcorp Genetics (formerly Invitae), Labcorp).